The following is an entry in ClinVar:

NM_017636.4(TRPM4):c.2567T>C (p.Leu856Pro)

Gene: TRPM4 (transient receptor potential cation channel subfamily M member 4; plus strand). Cytogenetic location: 19q13.33.
Variant type: single nucleotide variant.
Coding change: c.2567T>C on transcript NM_017636.4 (MANE Select); coding-DNA position 2567, T replaced by C.
Protein change: p.Leu856Pro; replaces leucine 856 with proline.
Molecular consequence: missense variant. On other transcripts: intron variant (1).
Genome position (GRCh38, 1-based): chr19:49,196,796, T>C. VCF-style: chr19-49196796-T-C. GRCh37 (hg19) VCF-style: chr19-49700053-T-C.
Other names: c.2222T>C, p.Leu741Pro (NM_001321281.2); c.959T>C, p.Leu320Pro (NM_001321282.2); c.2045T>C, p.Leu682Pro (NM_001321283.2); c.1505T>C, p.Leu502Pro (NM_001321285.2); c.2211-3504T>C (NM_001195227.2); short protein forms L320P, L502P, L856P, L682P, L741P.
Identifiers: ClinVar variation 2776213 (VCV002776213.3), dbSNP rs1199889329, ClinGen allele CA406809482.

ClinVar aggregate classification (germline): Uncertain significance (1 of 4 stars; one submission).

Conditions:
Progressive familial heart block type IB (PFHB1B). Identifiers: Orphanet 871, MedGen C1970298, MONDO:0011474, OMIM 604559.

Allele frequency attached by ClinVar (database versions not stated): gnomAD 0.00001.
gnomAD v4.1: 2 of 1,581,898 alleles (0.00013%); highest among the groups gnomAD compares: African/African-American, 0.0013%; no homozygotes.

Submission:

Labcorp Genetics (formerly Invitae), Labcorp
Classification: Uncertain significance for Progressive familial heart block type IB. Last evaluated: 2023-02-02. Review status: criteria provided, single submitter. Criteria: Invitae Variant Classification Sherloc (09022015). Collection method: clinical testing. Allele origin: germline.
Comment: In summary, the available evidence is currently insufficient to determine the role of this variant in disease. Therefore, it has been classified as a Variant of Uncertain Significance. Algorithms developed to predict the effect of missense changes on protein structure and function are either unavailable or do not agree on the potential impact of this missense change (SIFT: "Deleterious"; PolyPhen-2: "Probably Damaging"; Align-GVGD: "Class C0"). This variant has not been reported in the literature in individuals affected with TRPM4-related conditions. This variant is not present in population databases (gnomAD no frequency). This sequence change replaces leucine, which is neutral and non-polar, with proline, which is neutral and non-polar, at codon 856 of the TRPM4 protein (p.Leu856Pro).